The following is an entry in ClinVar:

NM_018161.5(NADSYN1):c.524G>A (p.Cys175Tyr)

Gene: NADSYN1 (NAD synthetase 1; plus strand). Cytogenetic location: 11q13.4.
Variant type: single nucleotide variant.
Coding change: c.524G>A on transcript NM_018161.5 (MANE Select); coding-DNA position 524, G replaced by A.
Protein change: p.Cys175Tyr; replaces cysteine 175 with tyrosine.
Molecular consequence: missense variant.
Genome position (GRCh38, 1-based): chr11:71,473,342, G>A. VCF-style: chr11-71473342-G-A. GRCh37 (hg19) VCF-style: chr11-71184388-G-A.
Other names: short protein forms C175Y.
Identifiers: ClinVar variation 1699308 (VCV001699308.18), dbSNP rs764123669, ClinGen allele CA381703880.

ClinVar aggregate classification (germline): Pathogenic/Likely pathogenic. Review status: criteria provided, multiple submitters, no conflicts (2 of 4 stars). 2 submissions from 2 submitters: Pathogenic (1); Likely pathogenic (1). Last evaluated 2025-02-11.

Conditions:
Vertebral, cardiac, renal, and limb defects syndrome 3. Also called: CONGENITAL NAD DEFICIENCY DISORDER 3. Identifiers: MedGen C5394250, MONDO:0030077, OMIM 618845.

Submissions (2):

Victorian Clinical Genetics Services, Murdoch Childrens Research Institute
Classification: Likely pathogenic for Vertebral, cardiac, renal, and limb defects syndrome 3. Last evaluated: 2025-02-11. Review status: criteria provided, single submitter. Criteria: ACMG Guidelines, 2015. Collection method: clinical testing. Allele origin: germline. Affected: yes.
Comment: This variant is classified as Likely pathogenic. Evidence in support of pathogenic classification: Variant is absent from gnomAD (v2, v3 and v4); This variant has limited previous evidence of pathogenicity in an unrelated individual(s). This variant has been reported in an affected homozygous individual in the literature (PMID: 38357931); Variant is located in the well-established functional carbon-nitrogen hydrolase domain. This domain, and specifically the critical active site Cys175 residue, has been shown to be important for glutamine dependant NAD synthetase activity (PMIDs: 12547821, 12771147); Missense variant predicted to be damaging by in silico tool(s) or highly conserved with a major amino acid change; Very strong and specific phenotype match for this individual. Additional information: Variant is predicted to result in a missense amino acid change from cysteine to tyrosine; This variant is heterozygous; This gene is associated with autosomal recessive disease; No published segregation evidence has been identified for this variant; No published functional evidence has been identified for this variant; No comparable missense variants have previous evidence for pathogenicity; Loss of function is a known mechanism of disease in this gene and is associated with vertebral, cardiac, renal, and limb defects syndrome 3 (MIM#618845).

Embryology Laboratory, Victor Chang Cardiac Research Institute
Classification: Pathogenic for Vertebral, cardiac, renal, and limb defects syndrome 3. Last evaluated: 2023-05-10. Review status: criteria provided, single submitter. Criteria: ACMG Guidelines, 2015. Collection method: research. Allele origin: biparental. Inheritance: Autosomal recessive inheritance. Affected: yes. Observed: 2 homozygotes.

Literature cited by the submitters: PubMed 12547821 (cited by Victorian Clinical Genetics Services, Murdoch Childrens Research Institute); PubMed 38357931 (cited by Victorian Clinical Genetics Services, Murdoch Childrens Research Institute); PubMed 12771147 (cited by Victorian Clinical Genetics Services, Murdoch Childrens Research Institute).